The following is an entry in ClinVar:

NM_000204.5(CFI):c.1420C>T (p.Arg474Ter)

Gene: CFI (complement factor I; minus strand). Cytogenetic location: 4q25.
Variant type: single nucleotide variant.
Coding change: c.1420C>T on transcript NM_000204.5 (MANE Select); coding-DNA position 1420, C replaced by T.
Protein change: p.Arg474Ter; replaces arginine 474 with a stop codon.
Molecular consequence: nonsense. On other transcripts: non-coding transcript variant (2).
Genome position (GRCh38, 1-based): chr4:109,746,231, G>A on the plus strand (C>T on the coding strand, the complement: CFI is on the minus strand). VCF-style: chr4-109746231-G-A. GRCh37 (hg19) VCF-style: chr4-110667387-G-A.
Other names: R456*; p.Arg474*; c.1420C>T (NM_000204.4); c.1444C>T, p.Arg482Ter (NM_001318057.2, NM_001375278.1); c.1399C>T, p.Arg467Ter (NM_001331035.2, NM_001375280.1, NM_001375282.1); c.1420C>T, p.Arg474Ter (NM_001375279.1, NM_001375281.1); c.1363C>T, p.Arg455Ter (NM_001375283.1); c.811C>T, p.Arg271Ter (NM_001375284.1); short protein forms R474*, R467*, R482*, R271*, R455*.
Identifiers: ClinVar variation 12121 (VCV000012121.14), dbSNP rs121964913, ClinGen allele CA256211.

ClinVar aggregate classification (germline): Pathogenic/Likely pathogenic. Review status: criteria provided, multiple submitters, no conflicts (2 of 4 stars). 7 submissions from 7 submitters: Pathogenic (5); Likely pathogenic (1). 1 of the submissions does not count toward it. Last evaluated 2025-09-26.

Conditions:
CFI-related disorder. Also called: CFI-related disorders; CFI-related condition. Identifiers: MedGen CN239325.
Factor I deficiency (CFID). Also called: Complement factor I deficiency. Identifiers: Orphanet 200418, MedGen C3463916, MONDO:0012594, OMIM 610984.
Age related macular degeneration 13. Identifiers: MedGen C3809523, MONDO:0014189, OMIM 615439.
Atypical hemolytic-uremic syndrome with I factor anomaly. Also called: HEMOLYTIC UREMIC SYNDROME, ATYPICAL, SUSCEPTIBILITY TO, 3; AHUS, SUSCEPTIBILITY TO, 3. Identifiers: Orphanet 2134, MedGen C2752039, MONDO:0013041, OMIM 612923.

Allele frequency attached by ClinVar (database versions not stated): gnomAD exomes 0.00003; ExAC 0.00005; TOPMed 0.00002.
gnomAD v4.1: 35 of 1,613,566 alleles (0.0022%); highest among the groups gnomAD compares: South Asian, 0.0044%; no homozygotes.

Submissions (7):

Genomenon, Inc
Classification: Pathogenic for CFI-related disorder. Last evaluated: 2025-09-26. Review status: criteria provided, single submitter. Criteria: Genomenon Sequence Variant Interpretation Standards - Updated. Collection method: curation. Allele origin: germline. Affected: yes.
Comment: CFI p.Arg474Ter (c.1420C>T) is a nonsense variant that introduces a premature stop codon at amino acid position 474, creating a truncated protein that is predicted to undergo nonsense-mediated mRNA decay. This variant has been observed in at least one proband affected with a CFI-related disorder (PMID:35372954;33912760;15173250;25079699;32342491;22710145;17089378). It has been observed in trans with a pathogenic/likely pathogenic variant (PMID:22710145). At least one functional study has demonstrated a substantial alteration in protein function relative to the wild-type (PMID:32510551;19877009;20016463). It is absent or not present at a significant frequency in gnomAD. In conclusion, we classify CFI p.Arg474Ter (c.1420C>T) as a pathogenic variant.

Genomic Medicine Center of Excellence, King Faisal Specialist Hospital and Research Centre
Classification: Pathogenic for Age related macular degeneration 13. Last evaluated: 2025-09-10. Review status: criteria provided, single submitter. Criteria: ACMG Guidelines, 2015. Collection method: clinical testing. Allele origin: germline.

Mayo Clinic Laboratories, Mayo Clinic
Classification: Pathogenic. Last evaluated: 2025-01-31. Review status: criteria provided, single submitter. Criteria: ACMG Guidelines, 2015. Collection method: clinical testing. Allele origin: germline. Observed: 1 variant allele.
Comment: PP1, PM3, PS3_supporting, PVS1

Department of Human Genetics, Hannover Medical School
Classification: Pathogenic for Factor I deficiency. Last evaluated: 2024-09-04. Review status: criteria provided, single submitter. Criteria: ACMG Guidelines, 2015. Collection method: clinical testing. Allele origin: germline. Affected: yes.

Labcorp Genetics (formerly Invitae), Labcorp
Classification: Pathogenic. Last evaluated: 2024-05-17. Review status: criteria provided, single submitter. Criteria: Invitae Variant Classification Sherloc (09022015). Collection method: clinical testing. Allele origin: germline.
Comment: This sequence change creates a premature translational stop signal (p.Arg474*) in the CFI gene. It is expected to result in an absent or disrupted protein product. Loss-of-function variants in CFI are known to be pathogenic (PMID: 15917334, 16621965, 19065647, 20016463, 22710145). This variant is present in population databases (rs121964913, gnomAD 0.006%). This premature translational stop signal has been observed in individual(s) with atypical hemolytic uremic syndrome (PMID: 20016463). This variant is also known as R456X. ClinVar contains an entry for this variant (Variation ID: 12121). For these reasons, this variant has been classified as Pathogenic.

PreventionGenetics, part of Exact Sciences
Classification: Likely pathogenic for CFI-related condition. Last evaluated: 2022-12-05. Review status: criteria provided, single submitter. Criteria: ACMG Guidelines, 2015. Collection method: clinical testing. Allele origin: germline.
Comment: The CFI c.1420C>T variant is predicted to result in premature protein termination (p.Arg474*). In vitro functional characterization resulted in the absence of detectable recombinant FI in both the supernatant and the cell lysate (Patient 10, Bienaime et al. 2010. PubMed ID: 20016463). Another patient with aHUS had FI plasma levels below the lower limit of the normal range. However, the authors noted that natural variation in concentration was seen between carriers of the same variant and among samples from the same individual taken at different time points (de Jong et al. 2020. PubMed ID: 32510551). This variant was also detected in patients with advanced age-related macular degeneration (Seddon et al., 2013. PubMed ID: 24036952, Java et al. 2020. PubMed ID: 32908800). The variant was classified as a Type 1 variant which demonstrated low FI antigenic levels and low iC3b generation, but the iC3b generated per unit of FI (iC3b/FI) was normal when compared to controls (Java et al. 2020. PubMed ID: 32908800). This variant is reported in 0.0062% of alleles in individuals of European (Non-Finnish) descent in gnomAD. Nonsense variants in CFI are expected to be pathogenic. This variant is interpreted as likely pathogenic.

OMIM
Classification: risk factor for HEMOLYTIC UREMIC SYNDROME, ATYPICAL, SUSCEPTIBILITY TO, 3. Last evaluated: 2004-06-01. Review status: no assertion criteria provided. Collection method: literature only. Allele origin: germline. Not counted in ClinVar's aggregate classification.

Literature cited by the submitters: PubMed 35372954 (cited by Genomenon, Inc and Mayo Clinic Laboratories, Mayo Clinic); 33912760 (cited by Genomenon, Inc); 15173250 (cited by Genomenon, Inc); 25079699 (cited by Genomenon, Inc); 32342491 (cited by Genomenon, Inc); 22710145 (cited by Genomenon, Inc); 17089378 (cited by Genomenon, Inc); 32510551 (cited by Genomenon, Inc); 19877009 (cited by Genomenon, Inc); 20016463 (cited by Genomenon, Inc); PubMed 15173250 (cited by Mayo Clinic Laboratories, Mayo Clinic and OMIM); PubMed 19877009 (cited by Mayo Clinic Laboratories, Mayo Clinic); PubMed 20016463 (cited by Mayo Clinic Laboratories, Mayo Clinic and Labcorp Genetics (formerly Invitae), Labcorp); PubMed 20203157 (cited by Mayo Clinic Laboratories, Mayo Clinic); PubMed 22710145 (cited by Mayo Clinic Laboratories, Mayo Clinic and Labcorp Genetics (formerly Invitae), Labcorp); PubMed 24036952 (cited by Mayo Clinic Laboratories, Mayo Clinic); PubMed 32510551 (cited by Mayo Clinic Laboratories, Mayo Clinic); PubMed 32908800 (cited by Mayo Clinic Laboratories, Mayo Clinic); PubMed 38852887 (cited by Mayo Clinic Laboratories, Mayo Clinic); PubMed 15917334 (cited by Labcorp Genetics (formerly Invitae), Labcorp); PubMed 16621965 (cited by Labcorp Genetics (formerly Invitae), Labcorp); PubMed 19065647 (cited by Labcorp Genetics (formerly Invitae), Labcorp).